The following is an entry in ClinVar:

ClinVar aggregate classification (germline): Uncertain significance. Review status: criteria provided, multiple submitters, no conflicts (2 of 4 stars). 4 submissions from 4 submitters: Uncertain significance (4). Last evaluated 2024-11-06.

Conditions:
Inborn genetic diseases. Identifiers: MedGen C0950123, MeSH D030342.

Allele frequency attached by ClinVar (database versions not stated): gnomAD exomes 0.00002 and 0.00004; gnomAD 0.00003; ExAC 0.00004; TOPMed 0.00008; 1000 Genomes Project 30x 0.00016; ESP Exome Variant Server 0.00016.
gnomAD v4.1: 34 of 1,614,178 alleles (0.0021%); highest among the groups gnomAD compares: African/African-American, 0.0053%; 1 homozygote.

Submissions (4):

Blueprint Genetics
Classification: Uncertain significance. Last evaluated: 2024-11-06. Review status: criteria provided, single submitter. Criteria: ACMG Guidelines, 2015. Collection method: clinical testing. Allele origin: germline.

CeGaT Center for Human Genetics Tuebingen
Classification: Uncertain significance. Last evaluated: 2024-11-01. Review status: criteria provided, single submitter. Criteria: CeGaT Center For Human Genetics Tuebingen Variant Classification Criteria Version 2. Collection method: clinical testing. Allele origin: germline. Affected: yes. Observed: 1 variant allele.
Comment: MYO15A: PM2:Supporting

Ambry Genetics
Classification: Uncertain significance for Inborn genetic diseases. Last evaluated: 2024-10-28. Review status: criteria provided, single submitter. Criteria: Ambry Variant Classification Scheme 2023. Collection method: clinical testing. Allele origin: germline.

GeneDx
Classification: Uncertain significance. Last evaluated: 2022-03-07. Review status: criteria provided, single submitter. Criteria: GeneDx Variant Classification Process June 2021. Collection method: clinical testing. Allele origin: germline. Affected: yes.
Comment: In silico analysis supports that this missense variant does not alter protein structure/function; Has not been previously published as pathogenic or benign to our knowledge

NM_016239.4(MYO15A):c.4534G>A (p.Val1512Met)

Gene: MYO15A (myosin XVA; plus strand). Cytogenetic location: 17p11.2.
Variant type: single nucleotide variant.
Coding change: c.4534G>A on transcript NM_016239.4 (MANE Select); coding-DNA position 4534, G replaced by A.
Protein change: p.Val1512Met; replaces valine 1512 with methionine.
Molecular consequence: missense variant.
Genome position (GRCh38, 1-based): chr17:18,135,762, G>A. VCF-style: chr17-18135762-G-A. GRCh37 (hg19) VCF-style: chr17-18039076-G-A.
Other names: short protein forms V1512M.
Identifiers: ClinVar variation 1526300 (VCV001526300.18), dbSNP rs371958829, ClinGen allele CA8423930.